The following is an entry in ClinVar:

NM_005502.4(ABCA1):c.103A>G (p.Ile35Val)

Gene: ABCA1 (ATP binding cassette subfamily A member 1; minus strand). Cytogenetic location: 9q31.1.
Variant type: single nucleotide variant.
Coding change: c.103A>G on transcript NM_005502.4 (MANE Select); coding-DNA position 103, A replaced by G.
Protein change: p.Ile35Val; replaces isoleucine 35 with valine.
Molecular consequence: missense variant.
Genome position (GRCh38, 1-based): chr9:104,889,159, T>C on the plus strand (A>G on the coding strand, the complement: ABCA1 is on the minus strand). VCF-style: chr9-104889159-T-C. GRCh37 (hg19) VCF-style: chr9-107651440-T-C.
Other names: c.103A>G (NM_005502.3); short protein forms I35V.
Identifiers: ClinVar variation 1406056 (VCV001406056.8), dbSNP rs138992952, ClinGen allele CA5169491.

ClinVar aggregate classification (germline): Conflicting classifications of pathogenicity. Review status: criteria provided, conflicting classifications (1 of 4 stars). 3 submissions from 3 submitters: Uncertain significance (2); Likely benign (1). Last evaluated 2025-10-07.

Conditions:
Cardiovascular phenotype. Identifiers: MedGen CN230736.

Allele frequency attached by ClinVar (database versions not stated): ExAC 0.00004; gnomAD exomes 0.00004 and 0.00007; gnomAD 0.00009; TOPMed 0.00009; 1000 Genomes Project 30x 0.00016; 1000 Genomes Project 0.00020; ESP Exome Variant Server 0.00023.
gnomAD v4.1: 126 of 1,614,126 alleles (0.0078%); highest among the groups gnomAD compares: Middle Eastern, 0.099%; no homozygotes.

Submissions (3):

Labcorp Genetics (formerly Invitae), Labcorp
Classification: Likely benign. Last evaluated: 2025-10-07. Review status: criteria provided, single submitter. Criteria: Invitae Variant Classification Sherloc (09022015). Collection method: clinical testing. Allele origin: germline.

Ambry Genetics
Classification: Uncertain significance for Cardiovascular phenotype. Last evaluated: 2025-01-10. Review status: criteria provided, single submitter. Criteria: Ambry Variant Classification Scheme 2023. Collection method: clinical testing. Allele origin: germline.
Comment: The p.I35V variant (also known as c.103A>G), located in coding exon 2 of the ABCA1 gene, results from an A to G substitution at nucleotide position 103. The isoleucine at codon 35 is replaced by valine, an amino acid with highly similar properties. This variant was reported as heterozygous in an individual in a low high-density lipoprotein cohort, but clinical details were limited (Dron JS et al. J Lipid Res, 2017 Nov;58:2162-2170). Additionally, this variant has been identified in conjunction with other ABCA1 variant(s) in individual(s) with features consistent with Tangier disease (Subramaniam K et al. J Postgrad Med, 2021;67:29-32). This amino acid position is well conserved in available vertebrate species. In addition, the in silico prediction for this alteration is inconclusive. Based on the available evidence, the clinical significance of this variant remains unclear.

Blueprint Genetics
Classification: Uncertain significance. Last evaluated: 2024-01-02. Review status: criteria provided, single submitter. Criteria: ACMG Guidelines, 2015. Collection method: clinical testing. Allele origin: germline.

Literature cited by the submitters: PubMed 28870971 (cited by Ambry Genetics); PubMed 33380594 (cited by Ambry Genetics).